The following is an entry in ClinVar:

NM_001013838.3(CARMIL2):c.499G>A (p.Asp167Asn)

Gene: CARMIL2 (capping protein regulator and myosin 1 linker 2; plus strand). Cytogenetic location: 16q22.1.
Variant type: single nucleotide variant.
Coding change: c.499G>A on transcript NM_001013838.3 (MANE Select); coding-DNA position 499, G replaced by A.
Protein change: p.Asp167Asn; replaces aspartic acid 167 with asparagine.
Molecular consequence: missense variant.
Genome position (GRCh38, 1-based): chr16:67,646,746, G>A. VCF-style: chr16-67646746-G-A. GRCh37 (hg19) VCF-style: chr16-67680649-G-A.
Other names: c.499G>A, p.Asp167Asn (NM_001317026.3); short protein forms D167N.
Identifiers: ClinVar variation 1468746 (VCV001468746.6), dbSNP rs2142912087, ClinGen allele CA396331493.

ClinVar aggregate classification (germline): Uncertain significance (1 of 4 stars; one submission).

Submission:

Labcorp Genetics (formerly Invitae), Labcorp
Classification: Uncertain significance. Last evaluated: 2022-06-05. Review status: criteria provided, single submitter. Criteria: Invitae Variant Classification Sherloc (09022015). Collection method: clinical testing. Allele origin: germline.
Comment: This sequence change replaces aspartic acid, which is acidic and polar, with asparagine, which is neutral and polar, at codon 167 of the CARMIL2 protein (p.Asp167Asn). This variant is not present in population databases (gnomAD no frequency). This variant has not been reported in the literature in individuals affected with CARMIL2-related conditions. ClinVar contains an entry for this variant (Variation ID: 1468746). Algorithms developed to predict the effect of missense changes on protein structure and function are either unavailable or do not agree on the potential impact of this missense change (SIFT: "Deleterious"; PolyPhen-2: "Probably Damaging"; Align-GVGD: "Class C0"). In summary, the available evidence is currently insufficient to determine the role of this variant in disease. Therefore, it has been classified as a Variant of Uncertain Significance.